The following is an entry in ClinVar:

ClinVar aggregate classification (germline): Uncertain significance (1 of 4 stars; one submission).

Conditions:
Bethlem myopathy 1A. Also called: Bethlem myopathy 1; MYOPATHY, BENIGN CONGENITAL, WITH CONTRACTURES; Bethlem Muscular Dystrophy. Identifiers: Orphanet 610, MedGen CN029274, MONDO:0024530, OMIM 158810.

Submission:

Labcorp Genetics (formerly Invitae), Labcorp
Classification: Uncertain significance for Bethlem myopathy 1A. Last evaluated: 2024-09-19. Review status: criteria provided, single submitter. Criteria: Invitae Variant Classification Sherloc (09022015). Collection method: clinical testing. Allele origin: germline.
Comment: This sequence change replaces cysteine, which is neutral and slightly polar, with tyrosine, which is neutral and polar, at codon 602 of the COL6A2 protein (p.Cys602Tyr). This variant is not present in population databases (gnomAD no frequency). This variant has not been reported in the literature in individuals affected with COL6A2-related conditions. Invitae Evidence Modeling of protein sequence and biophysical properties (such as structural, functional, and spatial information, amino acid conservation, physicochemical variation, residue mobility, and thermodynamic stability) indicates that this missense variant is expected to disrupt COL6A2 protein function with a positive predictive value of 80%. In summary, the available evidence is currently insufficient to determine the role of this variant in disease. Therefore, it has been classified as a Variant of Uncertain Significance.

NM_001849.4(COL6A2):c.1805G>A (p.Cys602Tyr)

Gene: COL6A2 (collagen type VI alpha 2 chain; plus strand). Cytogenetic location: 21q22.3.
Variant type: single nucleotide variant.
Coding change: c.1805G>A on transcript NM_001849.4 (MANE Select); coding-DNA position 1805, G replaced by A.
Protein change: p.Cys602Tyr; replaces cysteine 602 with tyrosine.
Molecular consequence: missense variant.
Genome position (GRCh38, 1-based): chr21:46,125,300, G>A. VCF-style: chr21-46125300-G-A. GRCh37 (hg19) VCF-style: chr21-47545214-G-A.
Other names: c.1805G>A, p.Cys602Tyr (NM_058174.3, NM_058175.3); short protein forms C602Y.
Identifiers: ClinVar variation 3628673 (VCV003628673.2).
Genomic context (GRCh38, chr21:46,125,300, plus strand): 5'-TACCCTGCCTGCCGTGTGCATTGCAGGAGTGTGACGTCATGACCTACGTGAGGGAGACCT[G>A]CGGGTGCTGCGGTGAGGCACTGCCCACGGCAGGGTCGGGGCCCATGCACCGGGTGGAGGG-3'
Protein context (NP_001840.3, residues 592-612): CDVMTYVRET[Cys602Tyr]GCCDCEKRCG